The following is an entry in ClinVar:

ClinVar aggregate classification (germline): Benign/Likely benign. Review status: criteria provided, multiple submitters, no conflicts (2 of 4 stars). 5 submissions from 5 submitters: Benign (1); Likely benign (4). Last evaluated 2026-01-04.

Conditions:
Hereditary cancer-predisposing syndrome. Also called: Neoplastic Syndromes, Hereditary; Tumor predisposition; Hereditary neoplastic syndrome; Hereditary Cancer Syndrome. Identifiers: Orphanet 140162, MedGen C0027672, MeSH D009386, MONDO:0015356.
Cardiovascular phenotype. Identifiers: MedGen CN230736.

Allele frequency attached by ClinVar (database versions not stated): gnomAD 0.00003 and 0.00004; gnomAD exomes 0.00003 and 0.00005; TOPMed 0.00003; ExAC 0.00004; ESP Exome Variant Server 0.00015.
gnomAD v4.1: 53 of 1,613,426 alleles (0.0033%); highest among the groups gnomAD compares: Middle Eastern, 0.082%; no homozygotes.

Submissions (5):

Labcorp Genetics (formerly Invitae), Labcorp
Classification: Likely benign. Last evaluated: 2026-01-04. Review status: criteria provided, single submitter. Criteria: Invitae Variant Classification Sherloc (09022015). Collection method: clinical testing. Allele origin: germline.

Blueprint Genetics
Classification: Likely benign. Last evaluated: 2024-08-27. Review status: criteria provided, single submitter. Criteria: ACMG Guidelines, 2015. Collection method: clinical testing. Allele origin: germline.

Women's Health and Genetics/Laboratory Corporation of America, LabCorp
Classification: Benign. Last evaluated: 2023-05-01. Review status: criteria provided, single submitter. Criteria: LabCorp Variant Classification Summary - May 2015. Collection method: clinical testing. Allele origin: germline.
Comment: Variant summary: LZTR1 c.1943-4C>G alters a nucleotide located close to a canonical splice site and therefore could affect mRNA splicing, leading to a significantly altered protein sequence. 4/4 computational tools predict no significant impact on normal splicing. However, these predictions have yet to be confirmed by functional studies. The variant allele was found at a frequency of 5.2e-05 in 251020 control chromosomes. The observed variant frequency is approximately 10.36 fold of the estimated maximal expected allele frequency for a pathogenic variant in LZTR1 causing Noonan Syndrome phenotype (5e-06), strongly suggesting that the variant is benign. To our knowledge, no occurrence of c.1943-4C>G in individuals affected with Noonan Syndrome and no experimental evidence demonstrating its impact on protein function have been reported. Two clinical diagnostic laboratories have submitted clinical-significance assessments for this variant to ClinVar after 2014 without evidence for independent evaluation. All laboratories classified the variant as likely benign. Based on the evidence outlined above, the variant was classified as benign.

CeGaT Center for Human Genetics Tuebingen
Classification: Likely benign. Last evaluated: 2023-01-01. Review status: criteria provided, single submitter. Criteria: CeGaT Center For Human Genetics Tuebingen Variant Classification Criteria Version 2. Collection method: clinical testing. Allele origin: germline. Affected: yes. Observed: 1 variant allele.
Comment: LZTR1: BP4, BS1

Ambry Genetics
Classification: Likely benign for Cardiovascular phenotype; Hereditary cancer-predisposing syndrome. Last evaluated: 2021-03-16. Review status: criteria provided, single submitter. Criteria: Ambry Variant Classification Scheme 2023. Collection method: clinical testing. Allele origin: germline.

NM_006767.4(LZTR1):c.1943-4C>G

Gene: LZTR1 (leucine zipper like post translational regulator 1; plus strand). Cytogenetic location: 22q11.21.
Variant type: single nucleotide variant.
Coding change: c.1943-4C>G on transcript NM_006767.4 (MANE Select); 4 bases into the intron before coding-DNA position 1943, C replaced by G.
Molecular consequence: intron variant.
Genome position (GRCh38, 1-based): chr22:20,995,742, C>G. VCF-style: chr22-20995742-C-G. GRCh37 (hg19) VCF-style: chr22-21350031-C-G.
Identifiers: ClinVar variation 1090688 (VCV001090688.36), dbSNP rs368391573, ClinGen allele CA10119166.